The following is an entry in ClinVar:

NM_001202.6(BMP4):c.-7-163C>G

Gene: BMP4 (bone morphogenetic protein 4; minus strand). Cytogenetic location: 14q22.2.
Variant type: single nucleotide variant.
Coding change: c.-7-163C>G on transcript NM_001202.6 (MANE Select); 163 bases into the intron before 7 bases upstream of the start codon, C replaced by G.
Molecular consequence: intron variant.
Genome position (GRCh38, 1-based): chr14:53,952,392, G>C on the plus strand (C>G on the coding strand, the complement: BMP4 is on the minus strand). VCF-style: chr14-53952392-G-C. GRCh37 (hg19) VCF-style: chr14-54419110-G-C.
Other names: c.188-216C>G (NM_001347912.1); c.-7-163C>G (NM_130850.5, NM_001347916.1, NM_130851.4 and 1 more transcripts); c.-143-216C>G (NM_001347913.2, NM_001347917.1, NM_001347915.2).
Identifiers: ClinVar variation 1167993 (VCV001167993.10), dbSNP rs10130587, ClinGen allele CA14015524.

ClinVar aggregate classification (germline): Benign. Review status: criteria provided, multiple submitters, no conflicts (2 of 4 stars). 2 submissions from 2 submitters: Benign (2). Last evaluated 2025-10-22.

Conditions:
Microphthalmia with brain and digit anomalies (MCOPS6). Also called: Microphthalmia, syndromic 6; MICROPHTHALMIA AND PITUITARY ANOMALIES. Identifiers: Orphanet 139471, MedGen C1864689, MONDO:0011936, OMIM 607932.
Orofacial cleft 11 (OFC11). Also called: Orofacial cleft 11; ofc11; CLEFT LIP WITH OR WITHOUT CLEFT PALATE, NONSYNDROMIC, 11. Identifiers: MedGen C2677434, MONDO:0010906, OMIM 600625.

Allele frequency attached by ClinVar (database versions not stated): TOPMed 0.47149; 1000 Genomes Project 0.48582; 1000 Genomes Project 30x 0.49422.
gnomAD v4.1: 66,166 of 147,082 alleles (45%); highest among the groups gnomAD compares: African/African-American, 53%; 15,219 homozygotes.

Submissions (2):

Labcorp Genetics (formerly Invitae), Labcorp
Classification: Benign for Microphthalmia with brain and digit anomalies; Orofacial cleft 11. Last evaluated: 2025-10-22. Review status: criteria provided, single submitter. Criteria: Invitae Variant Classification Sherloc (09022015). Collection method: clinical testing. Allele origin: germline.

GeneDx
Classification: Benign. Last evaluated: 2018-06-26. Review status: criteria provided, single submitter. Criteria: GeneDx Variant Classification Process June 2021. Collection method: clinical testing. Allele origin: germline. Affected: yes.
Comment: This variant is associated with the following publications: (PMID: 27379672)